The following is an entry in ClinVar:

NM_000317.3(PTS):c.239T>C (p.Met80Thr)

Gene: PTS (6-pyruvoyltetrahydropterin synthase; plus strand). Cytogenetic location: 11q23.1.
Variant type: single nucleotide variant.
Coding change: c.239T>C on transcript NM_000317.3 (MANE Select); coding-DNA position 239, T replaced by C.
Protein change: p.Met80Thr; replaces methionine 80 with threonine.
Molecular consequence: missense variant.
Genome position (GRCh38, 1-based): chr11:112,230,678, T>C. VCF-style: chr11-112230678-T-C. GRCh37 (hg19) VCF-style: chr11-112101401-T-C.
Other names: short protein forms M80T.
Identifiers: ClinVar variation 4759260 (VCV004759260.1).

ClinVar aggregate classification (germline): Likely pathogenic (1 of 4 stars; one submission).

Conditions:
6-Pyruvoyl-tetrahydrobiopterin synthase deficiency. Also called: Hyperphenylalanemia, BH4-deficient, A; Hyperphenylalaninemia due to 6-pyruvoyl-tetrahydropterin synthase deficiency; 6-Pyruvoyltetrahydropterin Synthase Deficiency; HYPERPHENYLALANINEMIA, TETRAHYDROBIOPTERIN-DEFICIENT, DUE TO PTS DEFICIENCY; BH4-deficient hyperphenylalaninemia A; PTS-Related Tetrahydrobiopterin Deficiency. Identifiers: Orphanet 13, Orphanet 238583, MedGen C0878676, MONDO:0009863, OMIM 261640.

Submission:

Variantyx, Inc.
Classification: Likely pathogenic for 6-Pyruvoyl-tetrahydrobiopterin synthase deficiency. Last evaluated: 2025-03-07. Review status: criteria provided, single submitter. Criteria: Variantyx Assertion Criteria 2022. Collection method: clinical testing. Allele origin: paternal.
Comment: This is a nonsynonymous variant in the PTS gene (OMIM: 612719). Pathogenic variants in this gene have been associated with autosomal recessive BH4-deficient hyperphenylalaninemia A (PMID:683251;111388593). The clinical symptoms reported for this individual are highly specific for autosomal recessive BH4-deficient hyperphenylalaninemia A, which has a limited genetic etiology (PP4). This variant lies within a known hotspot for pathogenic variants or a well-established critical functional domain of the PTS protein (PM1) (PMID:19280650, 20059486). Multiple computational algorithms predict a deleterious effect for this variant (REVEL score: 0.908) (PP3_Moderate). This variant has a 0.0014% maximum allele frequency in non-founder control populations (PM2_Supporting). This variant has been reported in at least 1 affected individual(s) who carried a second variant in this gene; however, the phase of these variants could not be determined (PMID:23138986). Based on the current evidence, this variant is classified as likely pathogenic for autosomal recessive BH4-deficient hyperphenylalaninemia A.